The following is an entry in ClinVar:

NM_004329.3(BMPR1A):c.798T>C (p.Thr266=)

Gene: BMPR1A (bone morphogenetic protein receptor type 1A; plus strand). Cytogenetic location: 10q23.2.
Variant type: single nucleotide variant.
Coding change: c.798T>C on transcript NM_004329.3 (MANE Select); coding-DNA position 798, T replaced by C.
Protein change: p.Thr266=; no amino-acid change (threonine 266 retained).
Molecular consequence: synonymous variant.
Genome position (GRCh38, 1-based): chr10:86,917,256, T>C. VCF-style: chr10-86917256-T-C. GRCh37 (hg19) VCF-style: chr10-88677013-T-C.
Identifiers: ClinVar variation 1123680 (VCV001123680.10), dbSNP rs1439711488, ClinGen allele CA470308074.

ClinVar aggregate classification (germline): Benign/Likely benign. Review status: criteria provided, multiple submitters, no conflicts (2 of 4 stars). 2 submissions from 2 submitters: Benign (1); Likely benign (1). Last evaluated 2025-11-24.

Conditions:
Juvenile polyposis syndrome (JPS). Identifiers: Orphanet 2929, MedGen C0345893, MONDO:0017380, OMIM 174900.

Allele frequency attached by ClinVar (database versions not stated): gnomAD 0.00001.
gnomAD v4.1: 1 of 1,613,846 alleles (0.000062%); highest among the groups gnomAD compares: African/African-American, 0.0013%; no homozygotes.

Submissions (2):

Labcorp Genetics (formerly Invitae), Labcorp
Classification: Likely benign for Juvenile polyposis syndrome. Last evaluated: 2025-11-24. Review status: criteria provided, single submitter. Criteria: Invitae Variant Classification Sherloc (09022015). Collection method: clinical testing. Allele origin: germline.

Myriad Genetics, Inc.
Classification: Benign for Juvenile polyposis syndrome. Last evaluated: 2024-08-05. Review status: criteria provided, single submitter. Criteria: Myriad Autosomal Dominant, Autosomal Recessive and X-Linked Classification Criteria (2023). Collection method: clinical testing. Allele origin: unknown.
Comment: This variant is considered benign. This variant is a silent/synonymous amino acid change and it is not expected to impact splicing.